The following is an entry in ClinVar:

ClinVar aggregate classification (germline): Conflicting classifications of pathogenicity. Review status: criteria provided, conflicting classifications (1 of 4 stars). 2 submissions from 2 submitters: Uncertain significance (1); Likely benign (1). Last evaluated 2025-02-11.

Conditions:
Cardiovascular phenotype. Identifiers: MedGen CN230736.

Allele frequency attached by ClinVar (database versions not stated): gnomAD 0.00001; gnomAD exomes 0.00001; TOPMed 0.00003.
gnomAD v4.1: 9 of 1,424,948 alleles (0.00063%); highest among the groups gnomAD compares: East Asian, 0.017%; no homozygotes.

Submissions (2):

GeneDx
Classification: Uncertain significance. Last evaluated: 2025-02-11. Review status: criteria provided, single submitter. Criteria: GeneDx Variant Classification Process June 2021. Collection method: clinical testing. Allele origin: germline. Affected: yes.
Comment: Not observed at significant frequency in large population cohorts (gnomAD); In silico analysis supports that this missense variant does not alter protein structure/function; Has not been previously published as pathogenic or benign to our knowledge

Ambry Genetics
Classification: Likely benign for Cardiovascular phenotype. Last evaluated: 2024-02-06. Review status: criteria provided, single submitter. Criteria: Ambry Variant Classification Scheme 2023. Collection method: clinical testing. Allele origin: germline.

NM_001367624.2(ZNF469):c.3040A>G (p.Arg1014Gly)

Gene: ZNF469 (zinc finger protein 469; plus strand). Cytogenetic location: 16q24.2.
Variant type: single nucleotide variant.
Coding change: c.3040A>G on transcript NM_001367624.2 (MANE Select); coding-DNA position 3040, A replaced by G.
Protein change: p.Arg1014Gly; replaces arginine 1014 with glycine.
Molecular consequence: missense variant.
Genome position (GRCh38, 1-based): chr16:88,430,510, A>G. VCF-style: chr16-88430510-A-G. GRCh37 (hg19) VCF-style: chr16-88496918-A-G.
Other names: NM_001127464.1:c.3040A>G; short protein forms R1014G.
Identifiers: ClinVar variation 1306628 (VCV001306628.5), dbSNP rs1408770467, ClinGen allele CA397076967.